The following is an entry in ClinVar:

ClinVar aggregate classification (germline): Uncertain significance (1 of 4 stars; one submission).

Submission:

Labcorp Genetics (formerly Invitae), Labcorp
Classification: Uncertain significance. Last evaluated: 2025-07-08. Review status: criteria provided, single submitter. Criteria: Invitae Variant Classification Sherloc (09022015). Collection method: clinical testing. Allele origin: germline.
Comment: This sequence change replaces phenylalanine, which is neutral and non-polar, with leucine, which is neutral and non-polar, at codon 515 of the ARHGEF1 protein (p.Phe515Leu). This variant is not present in population databases (gnomAD no frequency). This variant has not been reported in the literature in individuals affected with ARHGEF1-related conditions. An algorithm developed to predict the effect of missense changes on protein structure and function (PolyPhen-2) suggests that this variant is likely to be disruptive. In summary, the available evidence is currently insufficient to determine the role of this variant in disease. Therefore, it has been classified as a Variant of Uncertain Significance.

NM_004706.4(ARHGEF1):c.1498T>C (p.Phe500Leu)

Gene: ARHGEF1 (Rho guanine nucleotide exchange factor 1; plus strand). Cytogenetic location: 19q13.2.
Variant type: single nucleotide variant.
Coding change: c.1498T>C on transcript NM_004706.4 (MANE Select); coding-DNA position 1498, T replaced by C.
Protein change: p.Phe500Leu; replaces phenylalanine 500 with leucine.
Molecular consequence: missense variant. On other transcripts: non-coding transcript variant (2).
Genome position (GRCh38, 1-based): chr19:41,902,533, T>C. VCF-style: chr19-41902533-T-C. GRCh37 (hg19) VCF-style: chr19-42406683-T-C.
Other names: c.1666T>C, p.Phe556Leu (NM_001396000.1); c.1399T>C, p.Phe467Leu (NM_001396002.1, NM_001396004.1, NM_198977.2); c.1498T>C, p.Phe500Leu (NM_001396003.1, NM_001396006.1); c.1543T>C, p.Phe515Leu (NM_199002.2); short protein forms F500L, F515L, F556L, F467L.
Identifiers: ClinVar variation 4719958 (VCV004719958.1).